The following is an entry in ClinVar:

ClinVar aggregate classification (germline): Likely benign (1 of 4 stars; one submission).

Conditions:
ARL6IP1-related disorder. Also called: ARL6IP1-related condition.

gnomAD v4.1: 4 of 1,613,452 alleles (0.00025%); highest among the groups gnomAD compares: South Asian, 0.0011%; no homozygotes.

Submission:

PreventionGenetics, part of Exact Sciences
Classification: Likely benign for ARL6IP1-related condition. Last evaluated: 2026-01-07. Review status: criteria provided, single submitter. Criteria: ACMG Guidelines, 2015. Collection method: clinical testing. Allele origin: germline.
Comment: This variant is classified as likely benign based on ACMG/AMP sequence variant interpretation guidelines (Richards et al. 2015 PMID: 25741868, with internal and published modifications).

NM_015161.3(ARL6IP1):c.540T>C (p.Ile180=)

Gene: ARL6IP1 (ARL6 interacting reticulophagy regulator 1; minus strand). Cytogenetic location: 16p12.3.
Variant type: single nucleotide variant.
Coding change: c.540T>C on transcript NM_015161.3 (MANE Select); coding-DNA position 540, T replaced by C.
Protein change: p.Ile180=; no amino-acid change (isoleucine 180 retained).
Molecular consequence: synonymous variant.
Genome position (GRCh38, 1-based): chr16:18,793,324, A>G on the plus strand (T>C on the coding strand, the complement: ARL6IP1 is on the minus strand). VCF-style: chr16-18793324-A-G. GRCh37 (hg19) VCF-style: chr16-18804646-A-G.
Other names: c.453T>C, p.Ile151= (NM_001313858.1).
Identifiers: ClinVar variation 4997963 (VCV004997963.1).